The following is an entry in ClinVar:

NM_002609.4(PDGFRB):c.1278C>A (p.His426Gln)

Gene: PDGFRB (platelet derived growth factor receptor beta; minus strand). Cytogenetic location: 5q32.
Variant type: single nucleotide variant.
Coding change: c.1278C>A on transcript NM_002609.4 (MANE Select); coding-DNA position 1278, C replaced by A.
Protein change: p.His426Gln; replaces histidine 426 with glutamine.
Molecular consequence: missense variant.
Genome position (GRCh38, 1-based): chr5:150,130,628, G>T on the plus strand (C>A on the coding strand, the complement: PDGFRB is on the minus strand). VCF-style: chr5-150130628-G-T. GRCh37 (hg19) VCF-style: chr5-149510191-G-T.
Other names: c.1086C>A, p.His362Gln (NM_001355016.2); c.795C>A, p.His265Gln (NM_001355017.2); short protein forms H265Q, H362Q, H426Q.
Identifiers: ClinVar variation 2921815 (VCV002921815.3), dbSNP rs1760438629, ClinGen allele CA361717110.

ClinVar aggregate classification (germline): Uncertain significance (1 of 4 stars; one submission).

Conditions:
Infantile myofibromatosis (IMF). Also called: Congenital generalized fibromatosis. Identifiers: Orphanet 2591, MedGen C0432284, MONDO:0016824.
Skeletal overgrowth-craniofacial dysmorphism-hyperelastic skin-white matter lesions syndrome. Also called: SKELETAL OVERGROWTH WITH FACIAL DYSMORPHISM, HYPERELASTIC SKIN, WHITE MATTER LESIONS, AND NEUROLOGIC DETERIORATION; Kosaki overgrowth syndrome. Identifiers: Orphanet 477831, MedGen C4225270, MONDO:0014704, OMIM 616592.
Acroosteolysis-keloid-like lesions-premature aging syndrome. Also called: Premature aging syndrome, Penttinen type; Prematurely aged appearance, delayed bone maturation, acro-osteolysis, and brachydactyly; Progeroid syndrome, Penttinen type. Identifiers: Orphanet 363665, MedGen C1866182, MONDO:0011150, OMIM 601812.
Basal ganglia calcification, idiopathic, 4 (PFBC4). Also called: Familial Idiopathic Basal Ganglia Calcification 4; PRIMARY FAMILIAL BRAIN CALCIFICATION 4, AUTOSOMAL DOMINANT. Identifiers: Orphanet 1980, MedGen C3554321, MONDO:0014004, OMIM 615007.

Submission:

Labcorp Genetics (formerly Invitae), Labcorp
Classification: Uncertain significance for Basal ganglia calcification, idiopathic, 4; Skeletal overgrowth-craniofacial dysmorphism-hyperelastic skin-white matter lesions syndrome; Infantile myofibromatosis; Acroosteolysis-keloid-like lesions-premature aging syndrome. Last evaluated: 2023-12-30. Review status: criteria provided, single submitter. Criteria: Invitae Variant Classification Sherloc (09022015). Collection method: clinical testing. Allele origin: germline.
Comment: This sequence change replaces histidine, which is basic and polar, with glutamine, which is neutral and polar, at codon 426 of the PDGFRB protein (p.His426Gln). This variant is not present in population databases (gnomAD no frequency). This variant has not been reported in the literature in individuals affected with PDGFRB-related conditions. Advanced modeling of protein sequence and biophysical properties (such as structural, functional, and spatial information, amino acid conservation, physicochemical variation, residue mobility, and thermodynamic stability) performed at Invitae indicates that this missense variant is not expected to disrupt PDGFRB protein function with a negative predictive value of 80%. In summary, the available evidence is currently insufficient to determine the role of this variant in disease. Therefore, it has been classified as a Variant of Uncertain Significance.